The following is an entry in ClinVar:

NM_001005361.3(DNM2):c.1072G>A (p.Gly358Arg)

Gene: DNM2 (dynamin 2; plus strand). Cytogenetic location: 19p13.2.
Variant type: single nucleotide variant.
Coding change: c.1072G>A on transcript NM_001005361.3 (MANE Select); coding-DNA position 1072, G replaced by A.
Protein change: p.Gly358Arg; replaces glycine 358 with arginine.
Molecular consequence: missense variant.
Genome position (GRCh38, 1-based): chr19:10,793,799, G>A. VCF-style: chr19-10793799-G-A. GRCh37 (hg19) VCF-style: chr19-10904475-G-A.
Other names: c.1072G>A, p.Gly358Arg (NM_001005360.3, NM_001005362.3, NM_001190716.2 and 1 more transcripts); short protein forms G358R.
Identifiers: ClinVar variation 7287 (VCV000007287.17), dbSNP rs267606772, ClinGen allele CA248603.
Genomic context (GRCh38, chr19:10,793,799, plus strand): 5'-GTGGATTTTGAGAAGAGGATCGAGGGCTCAGGAGATCAGGTGGACACTCTGGAGCTCTCC[G>A]GGGGCGCCCGAATCAATCGCATCTTCCACGAGCGGTTCCCATTTGAGCTGGTGAAGGTAG-3'
Protein context (NP_001005361.1, residues 348-368): GDQVDTLELS[Gly358Arg]GARINRIFHE

ClinVar aggregate classification (germline): Pathogenic/Likely pathogenic. Review status: criteria provided, multiple submitters, no conflicts (2 of 4 stars). 7 submissions from 7 submitters: Pathogenic (3); Likely pathogenic (2). 2 of the submissions do not count toward it. Last evaluated 2024-07-30.

Conditions:
DNM2-related disorders.
Autosomal dominant Charcot-Marie-Tooth disease type 2M (CMT2M). Also called: CHARCOT-MARIE-TOOTH DISEASE, AXONAL, AUTOSOMAL DOMINANT, TYPE 2M; CHARCOT-MARIE-TOOTH NEUROPATHY, AXONAL, TYPE 2M; Charcot-Marie-Tooth disease, type 2M; CHARCOT-MARIE-TOOTH DISEASE, AXONAL, TYPE 2M. Identifiers: Orphanet 228179, MedGen C4304672, MONDO:0016431.
Charcot-Marie-Tooth disease dominant intermediate B (CMTDIB). Also called: Charcot-Marie-Tooth disease dominant intermediate 1; CMT DI1; Charcot-Marie-Tooth disease dominant intermediate I; CHARCOT-MARIE-TOOTH NEUROPATHY, DOMINANT INTERMEDIATE B. Identifiers: Orphanet 100044, Orphanet 228179, MedGen C1847902, MONDO:0011674, OMIM 606482.

Submissions (7):

Labcorp Genetics (formerly Invitae), Labcorp
Classification: Likely pathogenic for Charcot-Marie-Tooth disease dominant intermediate B. Last evaluated: 2024-07-30. Review status: criteria provided, single submitter. Criteria: Invitae Variant Classification Sherloc (09022015). Collection method: clinical testing. Allele origin: germline.
Comment: This sequence change replaces glycine, which is neutral and non-polar, with arginine, which is basic and polar, at codon 358 of the DNM2 protein (p.Gly358Arg). This variant is not present in population databases (gnomAD no frequency). This missense change has been observed in individual(s) with Charcot-Marie-Tooth disease (PMID: 18560793). It has also been observed to segregate with disease in related individuals. ClinVar contains an entry for this variant (Variation ID: 7287). Advanced modeling of protein sequence and biophysical properties (such as structural, functional, and spatial information, amino acid conservation, physicochemical variation, residue mobility, and thermodynamic stability) has been performed at Invitae for this missense variant, however the output from this modeling did not meet the statistical confidence thresholds required to predict the impact of this variant on DNM2 protein function. Experimental studies have shown that this missense change affects DNM2 function (PMID: 22096584, 22451505, 28357347). In summary, the currently available evidence indicates that the variant is pathogenic, but additional data are needed to prove that conclusively. Therefore, this variant has been classified as Likely Pathogenic.

GeneDx
Classification: Pathogenic. Last evaluated: 2023-12-08. Review status: criteria provided, single submitter. Criteria: GeneDx Variant Classification Process June 2021. Collection method: clinical testing. Allele origin: germline. Affected: yes.
Comment: Reported in association with Charcot- Marie-Tooth disease (PMID: 18560793, 25259927); Published functional studies demonstrate an impact on myelination and clathrin-mediated endocytosis (PMID: 22451505); Not observed in large population cohorts (gnomAD); In silico analysis supports that this missense variant has a deleterious effect on protein structure/function; This variant is associated with the following publications: (PMID: 22396310, 22096584, 24065954, 19502294, 25492887, 25259927, 28364294, 37060997, 16227997, 22451505, 18560793)

Blueprint Genetics
Classification: Pathogenic for DNM2-related disorders. Last evaluated: 2020-03-10. Review status: criteria provided, single submitter. Criteria: ACMG Guidelines, 2015. Collection method: clinical testing. Allele origin: germline. Affected: yes. Observed: 1 variant allele.

Athena Diagnostics
Classification: Pathogenic. Last evaluated: 2017-04-12. Review status: criteria provided, single submitter. Criteria: Athena Diagnostics Criteria. Collection method: clinical testing. Allele origin: germline.

Lupski Lab, Baylor-Hopkins CMG, Baylor College of Medicine
Classification: Likely pathogenic for Charcot-Marie-Tooth disease dominant intermediate B. Last evaluated: 2014-09-25. Review status: criteria provided, single submitter. Criteria: Yamamoto et al. (Cell 2014). Collection method: research. Allele origin: paternal. Inheritance: Autosomal dominant inheritance. Affected: yes. Observed: 6 variant alleles, 6 heterozygotes.

Inherited Neuropathy Consortium Ii, University Of Miami
Classification: Uncertain significance for Charcot-Marie-Tooth disease dominant intermediate B. Last evaluated: 2016-01-06. Review status: no assertion criteria provided. Collection method: literature only. Allele origin: germline. Affected: yes. Not counted in ClinVar's aggregate classification.

OMIM
Classification: Pathogenic for CHARCOT-MARIE-TOOTH DISEASE, AXONAL, TYPE 2M. Last evaluated: 2009-07-01. Review status: no assertion criteria provided. Collection method: literature only. Allele origin: germline. Not counted in ClinVar's aggregate classification.

Literature cited by the submitters: PubMed 18560793 (cited by 4 submitters); PubMed 22096584 (cited by Labcorp Genetics (formerly Invitae), Labcorp and Athena Diagnostics); PubMed 22451505 (cited by Labcorp Genetics (formerly Invitae), Labcorp and Athena Diagnostics); PubMed 28357347 (cited by Labcorp Genetics (formerly Invitae), Labcorp); PubMed 25259927 (cited by Athena Diagnostics); PubMed 19502294 (cited by Athena Diagnostics and OMIM).